The following is an entry in ClinVar:

NM_003172.4(SURF1):c.229G>A (p.Gly77Arg)

Gene: SURF1 (SURF1 cytochrome c oxidase assembly factor; minus strand). Cytogenetic location: 9q34.2.
Variant type: single nucleotide variant.
Coding change: c.229G>A on transcript NM_003172.4 (MANE Select); coding-DNA position 229, G replaced by A.
Protein change: p.Gly77Arg; replaces glycine 77 with arginine.
Molecular consequence: missense variant. On other transcripts: 5 prime UTR variant (1).
Genome position (GRCh38, 1-based): chr9:133,354,835, C>T on the plus strand (G>A on the coding strand, the complement: SURF1 is on the minus strand). VCF-style: chr9-133354835-C-T. GRCh37 (hg19) VCF-style: chr9-136221690-C-T.
Other names: c.-99G>A (NM_001280787.1); c.229G>A (NM_003172.2); short protein forms G77R.
Identifiers: ClinVar variation 3596602 (VCV003596602.2).
Genomic context (GRCh38, chr9:133,354,835, plus strand): 5'-CAGCAAGGTCAAGGGCCCAGAGTTACGCACACCAGATGCCGGTCTTTACCTGCCATGTCC[C>T]CAAGCCAAAGGCAGTCACAGGGATGAGGAGCAGGACCCACTGAAGAAAGGAGTCATCTTC-3'
Protein context (NP_003163.1, residues 67-87): LLIPVTAFGL[Gly77Arg]TWQVQRRKWK

ClinVar aggregate classification (germline): Likely pathogenic. Review status: criteria provided, multiple submitters, no conflicts (2 of 4 stars). 2 submissions from 2 submitters: Likely pathogenic (2). Last evaluated 2026-01-26.

Conditions:
Inborn genetic diseases. Identifiers: MedGen C0950123, MeSH D030342.
Mitochondrial complex IV deficiency, nuclear type 1 (MC4DN1). Also called: COX DEFICIENCY; Mitochondrial complex IV deficiency; Complex 4 mitochondrial respiratory chain deficiency; Deficiency of mitochondrial respiratory chain complex4; Complex IV deficiency. Identifiers: MedGen C5435656, MONDO:0700250, OMIM 220110. Disease mechanism: loss of function.
Charcot-Marie-Tooth disease type 4K. Also called: CHARCOT-MARIE-TOOTH DISEASE, DEMYELINATING, TYPE 4K; CHARCOT-MARIE-TOOTH DISEASE, DEMYELINATING, AUTOSOMAL RECESSIVE, TYPE 4K; CHARCOT-MARIE-TOOTH NEUROPATHY, DEMYELINATING, AUTOSOMAL RECESSIVE, TYPE 4K. Identifiers: Orphanet 391351, MedGen C4225246, MONDO:0014733, OMIM 616684.

Submissions (2):

Ambry Genetics
Classification: Likely pathogenic for Inborn genetic diseases. Last evaluated: 2026-01-26. Review status: criteria provided, single submitter. Criteria: Ambry Variant Classification Scheme 2023. Collection method: clinical testing. Allele origin: germline.
Comment: The c.229G>A (p.G77R) alteration is located in exon 3 (coding exon 3) of the SURF1 gene. This alteration results from a G to A substitution at nucleotide position 229, causing the glycine (G) at amino acid position 77 to be replaced by an arginine (R). This variant was not reported in population-based cohorts in the Genome Aggregation Database (gnomAD). Other variant(s) resulting in the same amino acid change (c.229G>C) have been identified in individual(s) with features consistent with SURF1-related mitochondrial complex IV deficiency (Akter, 2021). This amino acid position is highly conserved in available vertebrate species. This alteration is predicted to be deleterious by in silico analysis. Based on the available evidence, this alteration is classified as likely pathogenic.

Fulgent Genetics
Classification: Likely pathogenic for Mitochondrial complex IV deficiency, nuclear type 1; Charcot-Marie-Tooth disease type 4K. Last evaluated: 2024-05-16. Review status: criteria provided, single submitter. Criteria: ACMG Guidelines, 2015. Collection method: clinical testing. Allele origin: germline.

Literature cited by the submitters: PubMed 33594065 (cited by Ambry Genetics).